The following is an entry in ClinVar:

ClinVar aggregate classification (germline): Uncertain significance (1 of 4 stars; one submission).

Conditions:
Ataxia-telangiectasia syndrome (AT). Also called: Ataxia-telangiectasia, complementation group D; AT, COMPLEMENTATION GROUP C; ATAXIA-TELANGIECTASIA, COMPLEMENTATION GROUP A; ATAXIA-TELANGIECTASIA, FRESNO VARIANT; Ataxia-telangiectasia, complementation group E; LOUIS-BAR SYNDROME. Identifiers: Orphanet 100, MedGen C0004135, MONDO:0008840, OMIM 208900.

Submission:

Labcorp Genetics (formerly Invitae), Labcorp
Classification: Uncertain significance for Ataxia-telangiectasia syndrome. Last evaluated: 2022-09-03. Review status: criteria provided, single submitter. Criteria: Invitae Variant Classification Sherloc (09022015). Collection method: clinical testing. Allele origin: germline.
Comment: This variant has not been reported in the literature in individuals affected with ATM-related conditions. This variant is not present in population databases (gnomAD no frequency). This variant, c.5919_5921dup, results in the insertion of 1 amino acid(s) of the ATM protein (p.Arg1973dup), but otherwise preserves the integrity of the reading frame. Algorithms developed to predict the effect of sequence changes on RNA splicing suggest that this variant may disrupt the consensus splice site. In summary, the available evidence is currently insufficient to determine the role of this variant in disease. Therefore, it has been classified as a Variant of Uncertain Significance.

NC_000011.10:g.108312411_108312413dup

Genes: ATM (ATM serine/threonine kinase; plus strand), C11orf65 (chromosome 11 open reading frame 65; minus strand). Cytogenetic location: 11q22.3.
Variant type: Duplication.
Molecular consequence: intron variant (on NM_001330368.2).
Genome position: GRCh38 VCF-style: chr11-108312408-C-CAGA. GRCh37 (hg19) VCF-style: chr11-108183135-C-CAGA.
Other names: c.641-3340_641-3338dup (NM_001330368.2); c.*39-3340_*39-3338dup (NM_001351110.2).
Identifiers: ClinVar variation 2028941 (VCV002028941.4), dbSNP rs2547052123, ClinGen allele CA2580082985.